The following is an entry in ClinVar:

NM_006231.4(POLE):c.1107-3del

Gene: POLE (DNA polymerase epsilon, catalytic subunit; minus strand). Cytogenetic location: 12q24.33.
Variant type: Deletion.
Coding change: c.1107-3del on transcript NM_006231.4 (MANE Select); 3 bases into the intron before coding-DNA position 1107, one base deleted (C; older notation c.1107-3delC).
Molecular consequence: intron variant.
Genome position (GRCh38, 1-based): chr12:132,675,520, G deleted on the plus strand (C on the coding strand, the reverse complement: POLE is on the minus strand); the first of 3 consecutive G bases (chr12:132,675,520-132,675,522); deleting any one gives the same sequence. VCF-style (leftmost placement, unchanged base first): chr12-132675519-TG-T. GRCh37 (hg19) VCF-style: chr12-133252105-TG-T.
Identifiers: ClinVar variation 3904206 (VCV003904206.1).

ClinVar aggregate classification (germline): Likely benign (1 of 4 stars; one submission).

Conditions:
Colorectal cancer, susceptibility to, 12 (CRCS12). Also called: COLORECTAL CANCER, SUSCEPTIBILITY TO, ON CHROMOSOME 12q24. Identifiers: Orphanet 220460, MedGen C3554460, MONDO:0014038, OMIM 615083.

Submission:

Myriad Genetics, Inc.
Classification: Likely benign for Colorectal cancer, susceptibility to, 12. Last evaluated: 2025-02-10. Review status: criteria provided, single submitter. Criteria: Myriad Autosomal Dominant, Autosomal Recessive and X-Linked Classification Criteria (2023). Collection method: clinical testing. Allele origin: unknown.
Comment: This variant is considered likely benign. This variant is intronic and is not expected to impact mRNA splicing.